The following is an entry in ClinVar:

ClinVar aggregate classification (germline): Uncertain significance (1 of 4 stars; one submission).

Conditions:
Inborn genetic diseases. Identifiers: MedGen C0950123, MeSH D030342.

gnomAD v4.1: 32 of 1,612,730 alleles (0.002%); highest among the groups gnomAD compares: South Asian, 0.035%; no homozygotes.

Submission:

Ambry Genetics
Classification: Uncertain significance for Inborn genetic diseases. Last evaluated: 2026-05-26. Review status: criteria provided, single submitter. Criteria: Ambry Variant Classification Scheme 2023. Collection method: clinical testing. Allele origin: germline.
Comment: The c.1823+5G>A intronic alteration consists of a G to A substitution nucleotides after coding exon 10 in the LAMC3 gene. Based on data from gnomAD, the A allele has an overall frequency of 0.004% (10/248242) total alleles studied. The highest observed frequency was 0.03% (9/30552) of South Asian alleles. Based on insufficient or conflicting evidence, the clinical significance of this alteration remains unclear.

NM_006059.4(LAMC3):c.1823+5G>A

Genes: LAMC3 (laminin subunit gamma 3; plus strand), LOC126860777 (BRD4-independent group 4 enhancer GRCh37_chr9:133927058-133928257; plus strand). Cytogenetic location: 9q34.12.
Variant type: single nucleotide variant.
Coding change: c.1823+5G>A on transcript NM_006059.4 (MANE Select); 5 bases into the intron after coding-DNA position 1823, G replaced by A.
Molecular consequence: intron variant.
Genome position (GRCh38, 1-based): chr9:131,052,688, G>A. VCF-style: chr9-131052688-G-A. GRCh37 (hg19) VCF-style: chr9-133928075-G-A.
Identifiers: ClinVar variation 4859126 (VCV004859126.1).